The following is an entry in ClinVar:

ClinVar aggregate classification (germline): Likely benign. Review status: criteria provided, multiple submitters, no conflicts (2 of 4 stars). 2 submissions from 2 submitters: Likely benign (2). Last evaluated 2025-02-06.

Allele frequency attached by ClinVar (database versions not stated): gnomAD exomes below 0.00001 and 0.00001.
gnomAD v4.1: 3 of 1,200,948 alleles (0.00025%); highest among the groups gnomAD compares: Admixed American, 0.0067%; no homozygotes.

Submissions (2):

Mayo Clinic Laboratories, Mayo Clinic
Classification: Likely benign. Last evaluated: 2025-02-06. Review status: criteria provided, single submitter. Criteria: ACMG Guidelines, 2015. Collection method: clinical testing. Allele origin: germline. Observed: 1 variant allele.
Comment: BP4, BP7

Labcorp Genetics (formerly Invitae), Labcorp
Classification: Likely benign. Last evaluated: 2023-06-27. Review status: criteria provided, single submitter. Criteria: Invitae Variant Classification Sherloc (09022015). Collection method: clinical testing. Allele origin: germline.

NM_033380.3(COL4A5):c.1029A>T (p.Gly343=)

Gene: COL4A5 (collagen type IV alpha 5 chain; plus strand). Cytogenetic location: Xq22.3.
Variant type: single nucleotide variant.
Coding change: c.1029A>T on transcript NM_033380.3 (MANE Select); coding-DNA position 1029, A replaced by T.
Protein change: p.Gly343=; no amino-acid change (glycine 343 retained).
Molecular consequence: synonymous variant.
Genome position (GRCh38, 1-based): chrX:108,584,522, A>T. VCF-style: chrX-108584522-A-T. GRCh37 (hg19) VCF-style: chrX-107827752-A-T.
Other names: p.Gly343=; c.1029A>T, p.Gly343= (NM_000495.5).
Identifiers: ClinVar variation 1587721 (VCV001587721.9), dbSNP rs1241128085, ClinGen allele CA517992019.